The following is an entry in ClinVar:

NM_177438.3(DICER1):c.145G>C (p.Val49Leu)

Gene: DICER1 (dicer 1, ribonuclease III; minus strand). Cytogenetic location: 14q32.13.
Variant type: single nucleotide variant.
Coding change: c.145G>C on transcript NM_177438.3 (MANE Select); coding-DNA position 145, G replaced by C.
Protein change: p.Val49Leu; replaces valine 49 with leucine.
Molecular consequence: missense variant.
Genome position (GRCh38, 1-based): chr14:95,132,677, C>G on the plus strand (G>C on the coding strand, the complement: DICER1 is on the minus strand). VCF-style: chr14-95132677-C-G. GRCh37 (hg19) VCF-style: chr14-95599014-C-G.
Other names: c.145G>C, p.Val49Leu (NM_001195573.1, NM_001271282.3, NM_001291628.2 and 1 more transcripts); short protein forms V49L.
Identifiers: ClinVar variation 485528 (VCV000485528.5), dbSNP rs1555376413, ClinGen allele CA390890202.
Genomic context (GRCh38, chr14:95,132,677, plus strand): 5'-CTGAGCCAGTGTTTAAACAGACGATGGTATTATGATCCAGAGCTGCTTCAAGCAGTTCAA[C>G]CTAGAAACATGGTGAAAAAAAAGTTATGCACTTCTTACCTAAGTACAAAATTTATAAAAT-3'
Protein context (NP_803187.1, residues 39-59): DNIYTPRKYQ[Val49Leu]ELLEAALDHN

ClinVar aggregate classification (germline): Uncertain significance (1 of 4 stars; one submission).

Conditions:
Hereditary cancer-predisposing syndrome. Also called: Tumor predisposition; Hereditary Cancer Syndrome; Hereditary neoplastic syndrome; Neoplastic Syndromes, Hereditary. Identifiers: Orphanet 140162, MedGen C0027672, MeSH D009386, MONDO:0015356.

Submission:

Ambry Genetics
Classification: Uncertain significance for Hereditary cancer-predisposing syndrome. Last evaluated: 2017-02-20. Review status: criteria provided, single submitter. Criteria: Ambry Variant Classification Scheme 2023. Collection method: clinical testing. Allele origin: germline.
Comment: The p.V49L variant (also known as c.145G>C) is located in coding exon 2 of the DICER1 gene. The valine at codon 49 is replaced by leucine, an amino acid with highly similar properties. This change occurs in the first base pair of coding exon 2. This amino acid position is highly conserved in available vertebrate species. In addition, this alteration is predicted to be deleterious by in silico analysis. Since supporting evidence is limited at this time, the clinical significance of this alteration remains unclear.